The following is an entry in ClinVar:

ClinVar aggregate classification (germline): Uncertain significance (1 of 4 stars; one submission).

Conditions:
Brachyolmia-amelogenesis imperfecta syndrome. Also called: Tooth agenesis, selective, 6; Dental anomalies and short stature; PLATYSPONDYLY WITH AMELOGENESIS IMPERFECTA. Identifiers: Orphanet 2899, MedGen C1832594, MONDO:0011018, OMIM 601216. Disease mechanism: loss of function.

Submission:

Labcorp Genetics (formerly Invitae), Labcorp
Classification: Uncertain significance for Brachyolmia-amelogenesis imperfecta syndrome. Last evaluated: 2022-03-29. Review status: criteria provided, single submitter. Criteria: Invitae Variant Classification Sherloc (09022015). Collection method: clinical testing. Allele origin: germline.
Comment: In summary, the available evidence is currently insufficient to determine the role of this variant in disease. Therefore, it has been classified as a Variant of Uncertain Significance. Algorithms developed to predict the effect of missense changes on protein structure and function are either unavailable or do not agree on the potential impact of this missense change (SIFT: "Deleterious"; PolyPhen-2: "Possibly Damaging"; Align-GVGD: "Class C0"). This variant has not been reported in the literature in individuals affected with LTBP3-related conditions. This variant is not present in population databases (gnomAD no frequency). This sequence change replaces tyrosine, which is neutral and polar, with asparagine, which is neutral and polar, at codon 815 of the LTBP3 protein (p.Tyr815Asn).

NM_001130144.3(LTBP3):c.2443T>A (p.Tyr815Asn)

Gene: LTBP3 (latent transforming growth factor beta binding protein 3; minus strand). Cytogenetic location: 11q13.1.
Variant type: single nucleotide variant.
Coding change: c.2443T>A on transcript NM_001130144.3 (MANE Select); coding-DNA position 2443, T replaced by A.
Protein change: p.Tyr815Asn; replaces tyrosine 815 with asparagine.
Molecular consequence: missense variant.
Genome position (GRCh38, 1-based): chr11:65,543,460, A>T on the plus strand (T>A on the coding strand, the complement: LTBP3 is on the minus strand). VCF-style: chr11-65543460-A-T. GRCh37 (hg19) VCF-style: chr11-65310931-A-T.
Other names: c.2092T>A, p.Tyr698Asn (NM_001164266.1); c.2443T>A, p.Tyr815Asn (NM_021070.4); short protein forms Y698N, Y815N.
Identifiers: ClinVar variation 2118999 (VCV002118999.4), dbSNP rs2496139575, ClinGen allele CA381269262.